The following is an entry in ClinVar:

ClinVar aggregate classification (germline): Uncertain significance. Review status: criteria provided, multiple submitters, no conflicts (2 of 4 stars). 2 submissions from 2 submitters: Uncertain significance (2). Last evaluated 2024-01-02.

Conditions:
Fanconi-Bickel syndrome (FBS). Also called: Glycogen storage disease due to GLUT2 deficiency; FANCONI SYNDROME WITH INTESTINAL MALABSORPTION AND GALACTOSE INTOLERANCE; HEPATIC GLYCOGENOSIS WITH AMINO ACIDURIA AND GLUCOSURIA; HEPATIC GLYCOGENOSIS WITH FANCONI NEPHROPATHY; HEPATORENAL GLYCOGENOSIS WITH RENAL FANCONI SYNDROME; PSEUDO-PHLORIZIN DIABETES. Identifiers: Orphanet 2088, MedGen C3495427, MONDO:0009216, OMIM 227810.
Type 2 diabetes mellitus. Also called: Type II diabetes mellitus. Identifiers: MedGen C0011860, MeSH D003924, MONDO:0005148, OMIM 125853, HP:0005978.

Submissions (2):

Fulgent Genetics
Classification: Uncertain significance for Type 2 diabetes mellitus; Fanconi-Bickel syndrome. Last evaluated: 2024-01-02. Review status: criteria provided, single submitter. Criteria: ACMG Guidelines, 2015. Collection method: clinical testing. Allele origin: germline.

Labcorp Genetics (formerly Invitae), Labcorp
Classification: Uncertain significance for Fanconi-Bickel syndrome. Last evaluated: 2022-10-13. Review status: criteria provided, single submitter. Criteria: Invitae Variant Classification Sherloc (09022015). Collection method: clinical testing. Allele origin: germline.
Comment: This sequence change replaces alanine, which is neutral and non-polar, with valine, which is neutral and non-polar, at codon 458 of the SLC2A2 protein (p.Ala458Val). This variant is not present in population databases (gnomAD no frequency). This variant has not been reported in the literature in individuals affected with SLC2A2-related conditions. Algorithms developed to predict the effect of missense changes on protein structure and function output the following: SIFT: "Tolerated"; PolyPhen-2: "Benign"; Align-GVGD: "Class C0". The valine amino acid residue is found in multiple mammalian species, which suggests that this missense change does not adversely affect protein function. In summary, the available evidence is currently insufficient to determine the role of this variant in disease. Therefore, it has been classified as a Variant of Uncertain Significance.

NM_000340.2(SLC2A2):c.1373C>T (p.Ala458Val)

Gene: SLC2A2 (solute carrier family 2 member 2; minus strand). Cytogenetic location: 3q26.2.
Variant type: single nucleotide variant.
Coding change: c.1373C>T on transcript NM_000340.2 (MANE Select); coding-DNA position 1373, C replaced by T.
Protein change: p.Ala458Val; replaces alanine 458 with valine.
Molecular consequence: missense variant.
Genome position (GRCh38, 1-based): chr3:170,998,194, G>A on the plus strand (C>T on the coding strand, the complement: SLC2A2 is on the minus strand). VCF-style: chr3-170998194-G-A. GRCh37 (hg19) VCF-style: chr3-170715983-G-A.
Other names: c.1016C>T, p.Ala339Val (NM_001278658.2); c.854C>T, p.Ala285Val (NM_001278659.2); short protein forms A285V, A339V, A458V.
Identifiers: ClinVar variation 1903677 (VCV001903677.3), dbSNP rs749710583, ClinGen allele CA87704952.
Genomic context (GRCh38, chr3:170,998,194, plus strand): 5'-TAGCAGTTTTTTGACCCTCTCTTCTGTTCAGTAAATCTGTGGAATATTAGGCTGCTTACC[G>A]CAATGTACTGGAAACACAGAGCTACAATGAAATTGCAGGTCCAATTGCTGAATGCAGCTA-3'
Protein context (NP_000331.1, residues 448-468): FIVALCFQYI[Ala458Val]DFCGPYVFFL